The following is an entry in ClinVar:

ClinVar aggregate classification (germline): Uncertain significance. Review status: criteria provided, multiple submitters, no conflicts (2 of 4 stars). 2 submissions from 2 submitters: Uncertain significance (2). Last evaluated 2024-09-11.

Conditions:
Cardiomyopathy (CMYO). Also called: Cardiomyopathies. Identifiers: Orphanet 167848, MedGen C0878544, MONDO:0004994, HP:0001638. Inheritance: Various modes of inheritance.
Hypertrophic cardiomyopathy. Also called: HYPERTROPHIC MYOCARDIOPATHY. Identifiers: Orphanet 217569, MedGen C0007194, MeSH D002312, MONDO:0005045, HP:0001639.

Submissions (2):

All of Us Research Program, National Institutes of Health
Classification: Uncertain significance for Hypertrophic cardiomyopathy. Last evaluated: 2024-09-11. Review status: criteria provided, single submitter. Criteria: ACMG Guidelines, 2015. Collection method: clinical testing. Allele origin: germline. Inheritance: Autosomal dominant inheritance. Observed: 1 variant allele, 1 heterozygote.
Comment: This missense variant replaces glutamic acid with glycine at codon 611 of the MYBPC3 protein. Computational prediction is inconclusive regarding the impact of this variant on protein structure and function (internally defined REVEL score threshold 0.5 < inconclusive < 0.7, PMID: 27666373). To our knowledge, functional studies have not been reported for this variant. This variant has not been reported in individuals affected with cardiovascular disorders in the literature. This variant has not been identified in the general population by the Genome Aggregation Database (gnomAD). The available evidence is insufficient to determine the role of this variant in disease conclusively. Therefore, this variant is classified as a Variant of Uncertain Significance.

This study involves interpretation of variants in research participants for the purpose of population health screening. Participant phenotype was not available at the time of variant classification. Additional details can be found in publication PMID: 35346344, PMCID: PMC8962531

Color Diagnostics, LLC DBA Color Health
Classification: Uncertain significance for Cardiomyopathy. Last evaluated: 2024-03-07. Review status: criteria provided, single submitter. Criteria: ACMG Guidelines, 2015. Collection method: clinical testing. Allele origin: germline.
Comment: This missense variant replaces glutamic acid with glycine at codon 611 of the MYBPC3 protein. Computational prediction is inconclusive regarding the impact of this variant on protein structure and function (internally defined REVEL score threshold 0.5 < inconclusive < 0.7, PMID: 27666373). To our knowledge, functional studies have not been reported for this variant. This variant has not been reported in individuals affected with cardiovascular disorders in the literature. This variant has not been identified in the general population by the Genome Aggregation Database (gnomAD). The available evidence is insufficient to determine the role of this variant in disease conclusively. Therefore, this variant is classified as a Variant of Uncertain Significance.

NM_000256.3(MYBPC3):c.1832A>G (p.Glu611Gly)

Gene: MYBPC3 (myosin binding protein C3; minus strand). Cytogenetic location: 11p11.2.
Variant type: single nucleotide variant.
Coding change: c.1832A>G on transcript NM_000256.3 (MANE Select); coding-DNA position 1832, A replaced by G.
Protein change: p.Glu611Gly; replaces glutamic acid 611 with glycine.
Molecular consequence: missense variant.
Genome position (GRCh38, 1-based): chr11:47,341,203, T>C on the plus strand (A>G on the coding strand, the complement: MYBPC3 is on the minus strand). VCF-style: chr11-47341203-T-C. GRCh37 (hg19) VCF-style: chr11-47362754-T-C.
Other names: short protein forms E611G.
Identifiers: ClinVar variation 1171970 (VCV001171970.4), dbSNP rs2142859317, ClinGen allele CA380323967.